The following is an entry in ClinVar:

NM_001369268.1(ACAN):c.742G>C (p.Ala248Pro)

Gene: ACAN (aggrecan; plus strand). Cytogenetic location: 15q26.1.
Variant type: single nucleotide variant.
Coding change: c.742G>C on transcript NM_001369268.1 (MANE Select); coding-DNA position 742, G replaced by C.
Protein change: p.Ala248Pro; replaces alanine 248 with proline.
Molecular consequence: missense variant.
Genome position (GRCh38, 1-based): chr15:88,841,852, G>C. VCF-style: chr15-88841852-G-C. GRCh37 (hg19) VCF-style: chr15-89385083-G-C.
Other names: c.742G>C, p.Ala248Pro (NM_001135.4, NM_001411096.1, NM_001411097.1 and 1 more transcripts); short protein forms A248P.
Identifiers: ClinVar variation 3655133 (VCV003655133.2).

ClinVar aggregate classification (germline): Uncertain significance (1 of 4 stars; one submission).

Submission:

Labcorp Genetics (formerly Invitae), Labcorp
Classification: Uncertain significance. Last evaluated: 2024-05-31. Review status: criteria provided, single submitter. Criteria: Invitae Variant Classification Sherloc (09022015). Collection method: clinical testing. Allele origin: germline.
Comment: This sequence change replaces alanine, which is neutral and non-polar, with proline, which is neutral and non-polar, at codon 248 of the ACAN protein (p.Ala248Pro). This variant is not present in population databases (gnomAD no frequency). This variant has not been reported in the literature in individuals affected with ACAN-related conditions. Advanced modeling of protein sequence and biophysical properties (such as structural, functional, and spatial information, amino acid conservation, physicochemical variation, residue mobility, and thermodynamic stability) performed at Invitae indicates that this missense variant is not expected to disrupt ACAN protein function with a negative predictive value of 80%. In summary, the available evidence is currently insufficient to determine the role of this variant in disease. Therefore, it has been classified as a Variant of Uncertain Significance.